The following is an entry in ClinVar:

NM_000530.8(MPZ):c.*102C>T

Gene: MPZ (myelin protein zero; minus strand). Cytogenetic location: 1q23.3.
Variant type: single nucleotide variant.
Coding change: c.*102C>T on transcript NM_000530.8 (MANE Select); 102 bases downstream of the stop codon, C replaced by T.
Molecular consequence: 3 prime UTR variant. On other transcripts: synonymous variant (1).
Genome position (GRCh38, 1-based): chr1:161,305,774, G>A on the plus strand (C>T on the coding strand, the complement: MPZ is on the minus strand). VCF-style: chr1-161305774-G-A. GRCh37 (hg19) VCF-style: chr1-161275564-G-A.
Other names: c.849C>T, p.Ser283= (NM_001315491.2); c.849C>T (NM_001315491.1).
Identifiers: ClinVar variation 874516 (VCV000874516.7), dbSNP rs774748921, ClinGen allele CA31667604.
Genomic context (GRCh38, chr1:161,305,774, plus strand): 5'-CTTGAGGGCGTTTTTGAGGCTGGTTCTGCTGGGGGACTTGACAGCAGGCCGGAGCTCCGG[G>A]CTCTGCTCATCCTTTCGTAGCTCCATCTCGATGACCATCACCTTTGGGCCTTTGGCGGAC-3'

ClinVar aggregate classification (germline): Conflicting classifications of pathogenicity. Review status: criteria provided, conflicting classifications (1 of 4 stars). 6 submissions from 3 submitters: Uncertain significance (4); Likely benign (2). Last evaluated 2026-04-01.

Conditions:
Roussy-Lévy syndrome. Also called: Roussy-Levy Syndrome; Roussy Levy hereditary areflexic dystasia; Roussy-Levy disease; Hereditary areflexic dystasia. Identifiers: Orphanet 3115, MedGen C0205713, MONDO:0008392, OMIM 180800.
MPZ-related disorder. Also called: MPZ-related condition; MPZ-related disorders.
Neuropathy, congenital hypomyelinating, 2. Identifiers: MedGen C4722277, MONDO:0020765, OMIM 618184.
Charcot-Marie-Tooth disease type 1B. Also called: Charcot-Marie-Tooth disease, demyelinating, type 1b; Hereditary motor and sensory neuropathy 1B; Charcot-Marie-Tooth disease, type IB; PERONEAL MUSCULAR ATROPHY; CHARCOT-MARIE-TOOTH DISEASE, AUTOSOMAL DOMINANT, WITH FOCALLY FOLDED MYELIN SHEATHS, TYPE 1B; CHARCOT-MARIE-TOOTH DISEASE, SLOW NERVE CONDUCTION TYPE, LINKED TO DUFFY. Identifiers: Orphanet 101082, MedGen C0270912, MONDO:0007307, OMIM 118200.
Charcot-Marie-Tooth disease dominant intermediate D. Also called: Charcot-Marie-Tooth disease dominant intermediate 3; CMT DI3; CHARCOT-MARIE-TOOTH NEUROPATHY, DOMINANT INTERMEDIATE D. Identifiers: Orphanet 100046, MedGen C1843075, MONDO:0011909, OMIM 607791.

Allele frequency attached by ClinVar (database versions not stated): gnomAD 0.00007; TOPMed 0.00009; gnomAD exomes 0.00011.
gnomAD v4.1: 82 of 849,494 alleles (0.0097%); highest among the groups gnomAD compares: Non-Finnish European, 0.014%; no homozygotes.

Submissions (6):

CeGaT Center for Human Genetics Tuebingen
Classification: Likely benign. Last evaluated: 2026-04-01. Review status: criteria provided, single submitter. Criteria: CeGaT Center For Human Genetics Tuebingen Variant Classification Criteria Version 2. Collection method: clinical testing. Allele origin: germline. Affected: yes. Observed: 1 variant allele.
Comment: MPZ: BP4, BP7

PreventionGenetics, part of Exact Sciences
Classification: Likely benign for MPZ-related condition. Last evaluated: 2025-11-06. Review status: criteria provided, single submitter. Criteria: ACMG Guidelines, 2015. Collection method: clinical testing. Allele origin: germline.
Comment: This variant is classified as likely benign based on ACMG/AMP sequence variant interpretation guidelines (Richards et al. 2015 PMID: 25741868, with internal and published modifications).

Illumina Laboratory Services, Illumina
Classification: Uncertain significance for Roussy-Lévy syndrome. Last evaluated: 2018-01-13. Review status: criteria provided, single submitter. Criteria: ICSL Variant Classification Criteria 13 December 2019. Collection method: clinical testing. Allele origin: germline.

Illumina Laboratory Services, Illumina
Classification: Uncertain significance for Charcot-Marie-Tooth disease type 1B. Last evaluated: 2018-01-13. Review status: criteria provided, single submitter. Criteria: ICSL Variant Classification Criteria 13 December 2019. Collection method: clinical testing. Allele origin: germline.

Illumina Laboratory Services, Illumina
Classification: Uncertain significance for Charcot-Marie-Tooth disease dominant intermediate D. Last evaluated: 2018-01-13. Review status: criteria provided, single submitter. Criteria: ICSL Variant Classification Criteria 13 December 2019. Collection method: clinical testing. Allele origin: germline.

Illumina Laboratory Services, Illumina
Classification: Uncertain significance for Neuropathy, congenital hypomyelinating, 2. Last evaluated: 2018-01-13. Review status: criteria provided, single submitter. Criteria: ICSL Variant Classification Criteria 13 December 2019. Collection method: clinical testing. Allele origin: germline.